The following is an entry in ClinVar:

NM_024675.3:c.1335_1336insSVA

Gene: PALB2 (partner and localizer of BRCA2; minus strand).
Variant type: Insertion.
Identifiers: ClinVar variation 4861471 (VCV004861471.1).

ClinVar aggregate classification (germline): Uncertain significance (1 of 4 stars; one submission).

Conditions:
Hereditary cancer-predisposing syndrome. Also called: Neoplastic Syndromes, Hereditary; Tumor predisposition; Hereditary Cancer Syndrome; Hereditary neoplastic syndrome. Identifiers: Orphanet 140162, MedGen C0027672, MeSH D009386, MONDO:0015356.

Submission:

Ambry Genetics
Classification: Uncertain significance for Hereditary cancer-predisposing syndrome. Last evaluated: 2026-03-23. Review status: criteria provided, single submitter. Criteria: Ambry Variant Classification Scheme 2023. Collection method: clinical testing. Allele origin: germline.
Comment: The c.1335_1336insSVA likely pathogenic variant results from the insertion of a SVA element between nucleotides 1335 and 1336 in coding exon 4 of the PALB2 gene. Mobile element insertions contribute to pathogenicity by either disrupting the coding sequence or inducing aberrant splicing (Belancio VP et al. Semin. Cancer Biol. 2010 Aug;20:200-10; Deininger P et al. Genome Biol. 2011 Dec;12:236; van der Klift HM Hum Mutat. 2012 Jul;33(7):1051-5). One possible aberrant splice effect would be in-frame and, therefore, not expected to trigger nonsense-mediated mRNAdecay; however, direct evidence is unavailable. The exact functional effect of the altered amino acid sequence is unknown. Since supporting evidence is limited at this time, the clinical significance of this variant remains unclear.